The following is an entry in ClinVar:

ClinVar aggregate classification (germline): Uncertain significance. Review status: criteria provided, multiple submitters, no conflicts (2 of 4 stars). 2 submissions from 2 submitters: Uncertain significance (2). Last evaluated 2025-08-19.

Conditions:
Inborn genetic diseases. Identifiers: MedGen C0950123, MeSH D030342.

Allele frequency attached by ClinVar (database versions not stated): gnomAD exomes below 0.00001; TOPMed below 0.00001; gnomAD 0.00001.
gnomAD v4.1: 3 of 1,577,804 alleles (0.00019%); highest among the groups gnomAD compares: Non-Finnish European, 0.00026%; no homozygotes.

Submissions (2):

Ambry Genetics
Classification: Uncertain significance for Inborn genetic diseases. Last evaluated: 2025-08-19. Review status: criteria provided, single submitter. Criteria: Ambry Variant Classification Scheme 2023. Collection method: clinical testing. Allele origin: germline.

Labcorp Genetics (formerly Invitae), Labcorp
Classification: Uncertain significance. Last evaluated: 2024-10-25. Review status: criteria provided, single submitter. Criteria: Invitae Variant Classification Sherloc (09022015). Collection method: clinical testing. Allele origin: germline.
Comment: This sequence change replaces threonine, which is neutral and polar, with alanine, which is neutral and non-polar, at codon 36 of the SLC25A26 protein (p.Thr36Ala). The frequency data for this variant in the population databases is considered unreliable, as metrics indicate poor data quality at this position in the gnomAD database. This variant has not been reported in the literature in individuals affected with SLC25A26-related conditions. ClinVar contains an entry for this variant (Variation ID: 1424598). An algorithm developed to predict the effect of missense changes on protein structure and function (PolyPhen-2) suggests that this variant is likely to be disruptive. In summary, the available evidence is currently insufficient to determine the role of this variant in disease. Therefore, it has been classified as a Variant of Uncertain Significance.

NM_001379210.1(SLC25A26):c.370A>G (p.Thr124Ala)

Gene: SLC25A26 (solute carrier family 25 member 26; plus strand). Cytogenetic location: 3p14.1.
Variant type: single nucleotide variant.
Coding change: c.370A>G on transcript NM_001379210.1 (MANE Select); coding-DNA position 370, A replaced by G.
Protein change: p.Thr124Ala; replaces threonine 124 with alanine.
Molecular consequence: missense variant. On other transcripts: non-coding transcript variant (1).
Genome position (GRCh38, 1-based): chr3:66,262,120, A>G. VCF-style: chr3-66262120-A-G. GRCh37 (hg19) VCF-style: chr3-66312544-A-G.
Other names: c.106A>G, p.Thr36Ala (NM_001164796.1, NM_001350993.1); c.370A>G, p.Thr124Ala (NM_173471.4); c.370A>G (NM_173471.3); short protein forms T124A, T36A.
Identifiers: ClinVar variation 1424598 (VCV001424598.7), dbSNP rs891775469, ClinGen allele CA76493792.